The following is an entry in ClinVar:

ClinVar aggregate classification (germline): Pathogenic (1 of 4 stars; one submission).

Conditions:
Vici syndrome (VICIS). Identifiers: Orphanet 1493, MedGen C1855772, MONDO:0009452, OMIM 242840.

Submission:

Labcorp Genetics (formerly Invitae), Labcorp
Classification: Pathogenic for Vici syndrome. Last evaluated: 2024-02-23. Review status: criteria provided, single submitter. Criteria: Invitae Variant Classification Sherloc (09022015). Collection method: clinical testing. Allele origin: germline.
Comment: This sequence change creates a premature translational stop signal (p.Gln681Argfs*9) in the EPG5 gene. It is expected to result in an absent or disrupted protein product. Loss-of-function variants in EPG5 are known to be pathogenic (PMID: 23222957, 23674064). This variant is not present in population databases (gnomAD no frequency). This variant has not been reported in the literature in individuals affected with EPG5-related conditions. ClinVar contains an entry for this variant (Variation ID: 1433186). Algorithms developed to predict the effect of sequence changes on RNA splicing suggest that this variant may disrupt the consensus splice site. For these reasons, this variant has been classified as Pathogenic.

Literature cited by the submitters: PubMed 23222957; PubMed 23674064.

NM_020964.3(EPG5):c.2041del (p.Gln681fs)

Gene: EPG5 (ectopic P-granules 5 autophagy tethering factor; minus strand). Cytogenetic location: 18q21.1.
Variant type: Deletion.
Coding change: c.2041del on transcript NM_020964.3 (MANE Select); coding-DNA position 2041, one base deleted (C; older notation c.2041delC).
Protein change: p.Gln681fs; shifts the reading frame from glutamine 681.
Molecular consequence: frameshift variant.
Genome position (GRCh38, 1-based): chr18:45,939,658, G deleted on the plus strand (C on the coding strand, the reverse complement: EPG5 is on the minus strand). VCF-style (leftmost placement, unchanged base first): chr18-45939657-TG-T. GRCh37 (hg19) VCF-style: chr18-43519623-TG-T.
Other names: short protein forms Q681fs.
Identifiers: ClinVar variation 1433186 (VCV001433186.7), dbSNP rs2145880933, ClinGen allele CA2573155344.